The following is an entry in ClinVar:

NM_005245.4(FAT1):c.5095T>C (p.Tyr1699His)

Gene: FAT1 (FAT atypical cadherin 1; minus strand). Cytogenetic location: 4q35.2.
Variant type: single nucleotide variant.
Coding change: c.5095T>C on transcript NM_005245.4 (MANE Select); coding-DNA position 5095, T replaced by C.
Protein change: p.Tyr1699His; replaces tyrosine 1699 with histidine.
Molecular consequence: missense variant.
Genome position (GRCh38, 1-based): chr4:186,621,491, A>G on the plus strand (T>C on the coding strand, the complement: FAT1 is on the minus strand). VCF-style: chr4-186621491-A-G. GRCh37 (hg19) VCF-style: chr4-187542645-A-G.
Other names: short protein forms Y1699H.
Identifiers: ClinVar variation 2132400 (VCV002132400.4), dbSNP rs2126525764, ClinGen allele CA358974016.
Genomic context (GRCh38, chr4:186,621,491, plus strand): 5'-TAGTTCCAGAATGTGGATTAATATCAAAAGCATCACCTGTATTTCCATCTTTTATTTCAT[A>G]CACCACTGATGATTGACTATGGGCTGTAACCATCCCAACGAAACTCCCAATGCTGACAGT-3'
Protein context (NP_005236.2, residues 1689-1709): VTAHSQSSVV[Tyr1699His]EIKDGNTGDA

ClinVar aggregate classification (germline): Uncertain significance (1 of 4 stars; one submission).

Submission:

Labcorp Genetics (formerly Invitae), Labcorp
Classification: Uncertain significance. Last evaluated: 2022-05-01. Review status: criteria provided, single submitter. Criteria: Invitae Variant Classification Sherloc (09022015). Collection method: clinical testing. Allele origin: germline.
Comment: In summary, the available evidence is currently insufficient to determine the role of this variant in disease. Therefore, it has been classified as a Variant of Uncertain Significance. Algorithms developed to predict the effect of missense changes on protein structure and function (SIFT, PolyPhen-2, Align-GVGD) all suggest that this variant is likely to be disruptive. This variant has not been reported in the literature in individuals affected with FAT1-related conditions. This variant is not present in population databases (gnomAD no frequency). This sequence change replaces tyrosine, which is neutral and polar, with histidine, which is basic and polar, at codon 1699 of the FAT1 protein (p.Tyr1699His).